The following is an entry in ClinVar:

NM_002098.6(GUCA1B):c.450C>G (p.Phe150Leu)

Gene: GUCA1B (guanylate cyclase activator 1B; minus strand). Cytogenetic location: 6p21.1.
Variant type: single nucleotide variant.
Coding change: c.450C>G on transcript NM_002098.6 (MANE Select); coding-DNA position 450, C replaced by G.
Protein change: p.Phe150Leu; replaces phenylalanine 150 with leucine.
Molecular consequence: missense variant.
Genome position (GRCh38, 1-based): chr6:42,185,705, G>C on the plus strand (C>G on the coding strand, the complement: GUCA1B is on the minus strand). VCF-style: chr6-42185705-G-C. GRCh37 (hg19) VCF-style: chr6-42153443-G-C.
Other names: short protein forms F150L.
Identifiers: ClinVar variation 966526 (VCV000966526.7), dbSNP rs1768181326, ClinGen allele CA364112362.
Genomic context (GRCh38, chr6:42,185,705, plus strand): 5'-GTGGACAGCACTCTCCCCATCTCTGCCCCTCTTACCATCTCCATTCTCATCCACCAGGAG[G>C]AAGATCCTGTCCACGACCTCCTCGGGTGTGAGCAGCTGGCCTTGCTCAGTTTGTAGCTCT-3'
Protein context (NP_002089.4, residues 140-160): LTPEEVVDRI[Phe150Leu]LLVDENGDGQ

ClinVar aggregate classification (germline): Uncertain significance (1 of 4 stars; one submission).

gnomAD v4.1: 2 of 1,604,478 alleles (0.00012%); no homozygotes.

Submission:

Labcorp Genetics (formerly Invitae), Labcorp
Classification: Uncertain significance. Last evaluated: 2024-10-15. Review status: criteria provided, single submitter. Criteria: Invitae Variant Classification Sherloc (09022015). Collection method: clinical testing. Allele origin: germline.
Comment: This sequence change replaces phenylalanine, which is neutral and non-polar, with leucine, which is neutral and non-polar, at codon 150 of the GUCA1B protein (p.Phe150Leu). This variant is not present in population databases (gnomAD no frequency). This variant has not been reported in the literature in individuals affected with GUCA1B-related conditions. ClinVar contains an entry for this variant (Variation ID: 966526). An algorithm developed to predict the effect of missense changes on protein structure and function (PolyPhen-2) suggests that this variant is likely to be disruptive. In summary, the available evidence is currently insufficient to determine the role of this variant in disease. Therefore, it has been classified as a Variant of Uncertain Significance.